The following is an entry in ClinVar:

ClinVar aggregate classification (germline): Uncertain significance. Review status: criteria provided, multiple submitters, no conflicts (2 of 4 stars). 2 submissions from 2 submitters: Uncertain significance (2). Last evaluated 2025-09-05.

Conditions:
Capillary malformation-arteriovenous malformation syndrome. Also called: Capillary malformation-arteriovenous malformation. Identifiers: Orphanet 137667, MedGen C1842180, MONDO:0012016.
Cardiovascular phenotype. Identifiers: MedGen CN230736.

Submissions (2):

Ambry Genetics
Classification: Uncertain significance for Cardiovascular phenotype. Last evaluated: 2025-09-05. Review status: criteria provided, single submitter. Criteria: Ambry Variant Classification Scheme 2023. Collection method: clinical testing. Allele origin: germline.

Labcorp Genetics (formerly Invitae), Labcorp
Classification: Uncertain significance for Capillary malformation-arteriovenous malformation syndrome. Last evaluated: 2025-04-20. Review status: criteria provided, single submitter. Criteria: Invitae Variant Classification Sherloc (09022015). Collection method: clinical testing. Allele origin: germline.
Comment: This sequence change replaces alanine, which is neutral and non-polar, with valine, which is neutral and non-polar, at codon 29 of the RASA1 protein (p.Ala29Val). This variant is not present in population databases (gnomAD no frequency). This variant has not been reported in the literature in individuals affected with RASA1-related conditions. An algorithm developed to predict the effect of missense changes on protein structure and function (PolyPhen-2) suggests that this variant is likely to be disruptive. In summary, the available evidence is currently insufficient to determine the role of this variant in disease. Therefore, it has been classified as a Variant of Uncertain Significance.

NM_002890.3(RASA1):c.86C>T (p.Ala29Val)

Gene: RASA1 (RAS p21 protein activator 1; plus strand). Cytogenetic location: 5q14.3.
Variant type: single nucleotide variant.
Coding change: c.86C>T on transcript NM_002890.3 (MANE Select); coding-DNA position 86, C replaced by T.
Protein change: p.Ala29Val; replaces alanine 29 with valine.
Molecular consequence: missense variant.
Genome position (GRCh38, 1-based): chr5:87,268,537, C>T. VCF-style: chr5-87268537-C-T. GRCh37 (hg19) VCF-style: chr5-86564354-C-T.
Other names: short protein forms A29V.
Identifiers: ClinVar variation 4150728 (VCV004150728.2).